The following is an entry in ClinVar:

ClinVar aggregate classification (germline): Uncertain significance (1 of 4 stars; one submission).

Allele frequency attached by ClinVar (database versions not stated): gnomAD exomes 0.00002; ExAC 0.00003; ESP Exome Variant Server 0.00008; TOPMed 0.00008; gnomAD 0.00011 and 0.00013.
gnomAD v4.1: 32 of 1,614,064 alleles (0.002%); highest among the groups gnomAD compares: African/African-American, 0.04%; no homozygotes.

Submission:

Labcorp Genetics (formerly Invitae), Labcorp
Classification: Uncertain significance. Last evaluated: 2022-03-03. Review status: criteria provided, single submitter. Criteria: Invitae Variant Classification Sherloc (09022015). Collection method: clinical testing. Allele origin: germline.
Comment: In summary, the available evidence is currently insufficient to determine the role of this variant in disease. Therefore, it has been classified as a Variant of Uncertain Significance. Algorithms developed to predict the effect of missense changes on protein structure and function output the following: SIFT: "Deleterious"; PolyPhen-2: "Benign"; Align-GVGD: "Class C0". The valine amino acid residue is found in multiple mammalian species, which suggests that this missense change does not adversely affect protein function. This variant has not been reported in the literature in individuals affected with MYO5B-related conditions. This variant is present in population databases (rs370511121, gnomAD 0.04%). This sequence change replaces isoleucine, which is neutral and non-polar, with valine, which is neutral and non-polar, at codon 769 of the MYO5B protein (p.Ile769Val).

NM_001080467.3(MYO5B):c.2305A>G (p.Ile769Val)

Gene: MYO5B (myosin VB; minus strand). Cytogenetic location: 18q21.1.
Variant type: single nucleotide variant.
Coding change: c.2305A>G on transcript NM_001080467.3 (MANE Select); coding-DNA position 2305, A replaced by G.
Protein change: p.Ile769Val; replaces isoleucine 769 with valine.
Molecular consequence: missense variant.
Genome position (GRCh38, 1-based): chr18:49,906,528, T>C on the plus strand (A>G on the coding strand, the complement: MYO5B is on the minus strand). VCF-style: chr18-49906528-T-C. GRCh37 (hg19) VCF-style: chr18-47432898-T-C.
Other names: short protein forms I769V.
Identifiers: ClinVar variation 1404755 (VCV001404755.7), dbSNP rs370511121, ClinGen allele CA8961127.